The following is an entry in ClinVar:

NM_015662.3(IFT172):c.589C>T (p.Pro197Ser)

Gene: IFT172 (intraflagellar transport 172; minus strand). Cytogenetic location: 2p23.3.
Variant type: single nucleotide variant.
Coding change: c.589C>T on transcript NM_015662.3 (MANE Select); coding-DNA position 589, C replaced by T.
Protein change: p.Pro197Ser; replaces proline 197 with serine.
Molecular consequence: missense variant.
Genome position (GRCh38, 1-based): chr2:27,481,242, G>A on the plus strand (C>T on the coding strand, the complement: IFT172 is on the minus strand). VCF-style: chr2-27481242-G-A. GRCh37 (hg19) VCF-style: chr2-27704109-G-A.
Other names: short protein forms P197S.
Identifiers: ClinVar variation 2003244 (VCV002003244.4), dbSNP rs267599319, ClinGen allele CA44516323.
Genomic context (GRCh38, chr2:27,481,242, plus strand): 5'-GATCACAGCCTGCAGCCACGATGCTATTGGTTGCCCATGCCAAGGCATAGGGTGGACACG[G>A]GTGGTTAACCAACTTCCCCTAAGACAGAAGTAGAGGGTTTCAATCACTCTTCGAAGACTC-3'
Protein context (NP_056477.1, residues 187-207): GESQGKLVNH[Pro197Ser]CPPYALAWAT

ClinVar aggregate classification (germline): Uncertain significance (1 of 4 stars; one submission).

Conditions:
Retinitis pigmentosa 71 (RP71). Identifiers: Orphanet 791, MedGen C4225342, MONDO:0014618, OMIM 616394.
Short-rib thoracic dysplasia 10 with or without polydactyly (SRTD10). Identifiers: Orphanet 474, MedGen C3810175, MONDO:0014284, OMIM 615630.

Submission:

Labcorp Genetics (formerly Invitae), Labcorp
Classification: Uncertain significance for Retinitis pigmentosa 71; Short-rib thoracic dysplasia 10 with or without polydactyly. Last evaluated: 2024-11-11. Review status: criteria provided, single submitter. Criteria: Invitae Variant Classification Sherloc (09022015). Collection method: clinical testing. Allele origin: germline.
Comment: This sequence change replaces proline, which is neutral and non-polar, with serine, which is neutral and polar, at codon 197 of the IFT172 protein (p.Pro197Ser). This variant is not present in population databases (gnomAD no frequency). This variant has not been reported in the literature in individuals affected with IFT172-related conditions. ClinVar contains an entry for this variant (Variation ID: 2003244). Invitae Evidence Modeling of protein sequence and biophysical properties (such as structural, functional, and spatial information, amino acid conservation, physicochemical variation, residue mobility, and thermodynamic stability) indicates that this missense variant is not expected to disrupt IFT172 protein function with a negative predictive value of 95%. In summary, the available evidence is currently insufficient to determine the role of this variant in disease. Therefore, it has been classified as a Variant of Uncertain Significance.